The following is an entry in ClinVar:

NM_000465.4(BARD1):c.224T>A (p.Val75Glu)

Gene: BARD1 (BRCA1 associated RING domain 1; minus strand). Cytogenetic location: 2q35.
Variant type: single nucleotide variant.
Coding change: c.224T>A on transcript NM_000465.4 (MANE Select); coding-DNA position 224, T replaced by A.
Protein change: p.Val75Glu; replaces valine 75 with glutamic acid.
Molecular consequence: missense variant. On other transcripts: non-coding transcript variant (1), intron variant (2).
Genome position (GRCh38, 1-based): chr2:214,792,437, A>T on the plus strand (T>A on the coding strand, the complement: BARD1 is on the minus strand). VCF-style: chr2-214792437-A-T. GRCh37 (hg19) VCF-style: chr2-215657161-A-T.
Other names: c.167T>A, p.Val56Glu (NM_001282543.2); c.224T>A, p.Val75Glu (NM_001282549.2); c.158+16975T>A (NM_001282548.2); c.215+4624T>A (NM_001282545.2); short protein forms V56E, V75E.
Identifiers: ClinVar variation 4824123 (VCV004824123.1).

ClinVar aggregate classification (germline): Uncertain significance (1 of 4 stars; one submission).

Conditions:
Hereditary cancer-predisposing syndrome. Also called: Neoplastic Syndromes, Hereditary; Hereditary neoplastic syndrome; Tumor predisposition; Hereditary Cancer Syndrome. Identifiers: Orphanet 140162, MedGen C0027672, MeSH D009386, MONDO:0015356.

Submission:

Ambry Genetics
Classification: Uncertain significance for Hereditary cancer-predisposing syndrome. Last evaluated: 2026-01-25. Review status: criteria provided, single submitter. Criteria: Ambry Variant Classification Scheme 2023. Collection method: clinical testing. Allele origin: germline.
Comment: The p.V75E variant (also known as c.224T>A), located in coding exon 3 of the BARD1 gene, results from a T to A substitution at nucleotide position 224. The valine at codon 75 is replaced by glutamic acid, an amino acid with dissimilar properties. This amino acid position is conserved. In addition, the in silico prediction for this alteration is inconclusive. Based on the available evidence, the clinical significance of this variant remains unclear.